The following is an entry in ClinVar:

ClinVar aggregate classification (germline): Uncertain significance (1 of 4 stars; one submission).

Allele frequency attached by ClinVar (database versions not stated): TOPMed 0.00003; gnomAD exomes 0.00005; ExAC 0.00013; ESP Exome Variant Server 0.00015; gnomAD 0.00003.
gnomAD v4.1: 78 of 1,613,682 alleles (0.0048%); highest among the groups gnomAD compares: Non-Finnish European, 0.0061%; no homozygotes.

Submission:

Labcorp Genetics (formerly Invitae), Labcorp
Classification: Uncertain significance. Last evaluated: 2024-12-17. Review status: criteria provided, single submitter. Criteria: Invitae Variant Classification Sherloc (09022015). Collection method: clinical testing. Allele origin: germline.
Comment: This sequence change replaces glycine, which is neutral and non-polar, with arginine, which is basic and polar, at codon 783 of the MICAL1 protein (p.Gly783Arg). This variant is present in population databases (rs141685538, gnomAD 0.02%). This variant has not been reported in the literature in individuals affected with MICAL1-related conditions. ClinVar contains an entry for this variant (Variation ID: 1914249). An algorithm developed to predict the effect of missense changes on protein structure and function (PolyPhen-2) suggests that this variant is likely to be disruptive. In summary, the available evidence is currently insufficient to determine the role of this variant in disease. Therefore, it has been classified as a Variant of Uncertain Significance.

NM_022765.4(MICAL1):c.2290G>C (p.Gly764Arg)

Gene: MICAL1 (microtubule associated monooxygenase, calponin and LIM domain containing 1; minus strand). Cytogenetic location: 6q21.
Variant type: single nucleotide variant.
Coding change: c.2290G>C on transcript NM_022765.4 (MANE Select); coding-DNA position 2290, G replaced by C.
Protein change: p.Gly764Arg; replaces glycine 764 with arginine.
Molecular consequence: missense variant.
Genome position (GRCh38, 1-based): chr6:109,446,710, C>G on the plus strand (G>C on the coding strand, the complement: MICAL1 is on the minus strand). VCF-style: chr6-109446710-C-G. GRCh37 (hg19) VCF-style: chr6-109767913-C-G.
Other names: c.2032G>C, p.Gly678Arg (NM_001159291.2); c.2347G>C, p.Gly783Arg (NM_001286613.2); short protein forms G783R, G764R, G678R.
Identifiers: ClinVar variation 1914249 (VCV001914249.5), dbSNP rs141685538, ClinGen allele CA3952985.